The following is an entry in ClinVar:

ClinVar aggregate classification (germline): Benign/Likely benign. Review status: criteria provided, multiple submitters, no conflicts (2 of 4 stars). 6 submissions from 6 submitters: Benign (2); Likely benign (4). Last evaluated 2026-04-15.

Conditions:
DICER1-related tumor predisposition. Also called: DICER1-related pleuropulmonary blastoma cancer predisposition syndrome; DICER1 syndrome. Identifiers: Orphanet 284343, MedGen C3839822, MONDO:0100216.
Hereditary cancer-predisposing syndrome. Also called: Hereditary neoplastic syndrome; Neoplastic Syndromes, Hereditary; Hereditary Cancer Syndrome; Tumor predisposition. Identifiers: Orphanet 140162, MedGen C0027672, MeSH D009386, MONDO:0015356.

Allele frequency attached by ClinVar (database versions not stated): TOPMed 0.00011; gnomAD 0.00012 and 0.00013; 1000 Genomes Project 30x 0.00016; 1000 Genomes Project 0.00020; gnomAD exomes 0.00025 and 0.00013; ExAC 0.00012; ESP Exome Variant Server 0.00023.
gnomAD v4.1: 376 of 1,613,658 alleles (0.023%); highest among the groups gnomAD compares: Non-Finnish European, 0.03%; no homozygotes.

Submissions (6):

Myriad Genetics, Inc.
Classification: Benign for DICER1-related tumor predisposition. Last evaluated: 2026-04-15. Review status: criteria provided, single submitter. Criteria: Myriad Autosomal Dominant, Autosomal Recessive and X-Linked Classification Criteria (2023). Collection method: clinical testing. Allele origin: unknown.
Comment: This variant is considered benign. This variant is a silent/synonymous amino acid change and it is not expected to impact splicing.

Labcorp Genetics (formerly Invitae), Labcorp
Classification: Likely benign for DICER1-related tumor predisposition. Last evaluated: 2026-02-03. Review status: criteria provided, single submitter. Criteria: Invitae Variant Classification Sherloc (09022015). Collection method: clinical testing. Allele origin: germline.

Quest Diagnostics Nichols Institute San Juan Capistrano
Classification: Likely benign. Last evaluated: 2021-03-19. Review status: criteria provided, single submitter. Criteria: Quest Diagnostics criteria. Collection method: clinical testing. Allele origin: unknown.

Sema4
Classification: Likely benign for Hereditary cancer-predisposing syndrome. Last evaluated: 2020-12-16. Review status: criteria provided, single submitter. Criteria: Sema4 Curation Guidelines. Collection method: curation. Allele origin: germline.

Illumina Laboratory Services, Illumina
Classification: Benign for Pleuropulmonary blastoma. Last evaluated: 2018-01-12. Review status: criteria provided, single submitter. Criteria: ICSL Variant Classification Criteria 13 December 2019. Collection method: clinical testing. Allele origin: germline.
Comment: This variant was observed in the ICSL laboratory as part of a predisposition screen in an ostensibly healthy population. It had not been previously curated by ICSL or reported in the Human Gene Mutation Database (HGMD: prior to June 1st, 2018), and was therefore a candidate for classification through an automated scoring system. Utilizing variant allele frequency, disease prevalence and penetrance estimates, and inheritance mode, an automated score was calculated to assess if this variant is too frequent to cause the disease. Based on the score and internal cut-off values, a variant classified as benign is not then subjected to further curation. The score for this variant resulted in a classification of benign for this disease.

Ambry Genetics
Classification: Likely benign for Hereditary cancer-predisposing syndrome. Last evaluated: 2017-04-13. Review status: criteria provided, single submitter. Criteria: Ambry Variant Classification Scheme 2023. Collection method: clinical testing. Allele origin: germline.

NM_177438.3(DICER1):c.1543C>T (p.Leu515=)

Gene: DICER1 (dicer 1, ribonuclease III; minus strand). Cytogenetic location: 14q32.13.
Variant type: single nucleotide variant.
Coding change: c.1543C>T on transcript NM_177438.3 (MANE Select); coding-DNA position 1543, C replaced by T.
Protein change: p.Leu515=; no amino-acid change (leucine 515 retained).
Molecular consequence: synonymous variant.
Genome position (GRCh38, 1-based): chr14:95,116,662, G>A on the plus strand (C>T on the coding strand, the complement: DICER1 is on the minus strand). VCF-style: chr14-95116662-G-A. GRCh37 (hg19) VCF-style: chr14-95582999-G-A.
Other names: c.1543C>T, p.Leu515= (NM_001195573.1, NM_001271282.3, NM_001291628.2 and 1 more transcripts).
Identifiers: ClinVar variation 242045 (VCV000242045.22), dbSNP rs148218787, ClinGen allele CA7331452.